The following is an entry in ClinVar:

ClinVar aggregate classification (germline): Uncertain significance (1 of 4 stars; one submission).

Conditions:
Short-rib thoracic dysplasia 6 with or without polydactyly (SRTD6). Also called: Majewski Syndrome; SHORT-RIB THORACIC DYSPLASIA 6 WITH POLYDACTYLY; SHORT-RIB THORACIC DYSPLASIA 6 WITHOUT POLYDACTYLY; POLYDACTYLY WITH NEONATAL CHONDRODYSTROPHY, TYPE II; SHORT RIB-POLYDACTYLY SYNDROME, TYPE IIA. Identifiers: MedGen C0024507, MONDO:0009894, OMIM 263520.

Submission:

Labcorp Genetics (formerly Invitae), Labcorp
Classification: Uncertain significance for Short-rib thoracic dysplasia 6 with or without polydactyly. Last evaluated: 2023-08-27. Review status: criteria provided, single submitter. Criteria: Invitae Variant Classification Sherloc (09022015). Collection method: clinical testing. Allele origin: unknown.
Comment: This variant results in a copy number gain of the genomic region encompassing exon(s) 16-21 of the NEK1 gene. While the exact position of this variant cannot be determined from the data, sub-genic copy number gains are generally in tandem (PMID: 25640679). This variant is predicted to be in-frame, and likely preserves the integrity of the reading frame. This variant has not been reported in the literature in individuals affected with NEK1-related conditions. Experimental studies and prediction algorithms are not available or were not evaluated, and the functional significance of this variant is currently unknown. In summary, the available evidence is currently insufficient to determine the role of this variant in disease. Therefore, it has been classified as a Variant of Uncertain Significance.

Literature cited by the submitters: PubMed 25640679.

NC_000004.11:g.(?_170428168)_(170477266_?)dup

Gene: NEK1 (NIMA related kinase 1; minus strand). Cytogenetic location: 4q33.
Variant type: Duplication.
Identifiers: ClinVar variation 3246586 (VCV003246586.1).